The following is an entry in ClinVar:

NM_001386795.1(DTNA):c.1993+7T>C

Gene: DTNA (dystrobrevin alpha; plus strand). Cytogenetic location: 18q12.1.
Variant type: single nucleotide variant.
Coding change: c.1993+7T>C on transcript NM_001386795.1 (MANE Select); 7 bases into the intron after coding-DNA position 1993, T replaced by C.
Molecular consequence: intron variant.
Genome position (GRCh38, 1-based): chr18:34,877,815, T>C. VCF-style: chr18-34877815-T-C. GRCh37 (hg19) VCF-style: chr18-32457779-T-C.
Other names: c.1741+7T>C (NM_032975.4, NM_001386761.1); c.1738+7T>C (NM_001386762.1); c.1822+7T>C (NM_001386754.1, NM_001386755.1, NM_001386757.1 and 3 more transcripts); c.1819+7T>C (NM_001386760.1); c.1732+7T>C (NM_001386763.1, NM_001386764.1, NM_001198940.2 and 5 more transcripts); c.1729+7T>C (NM_001386768.1, NM_001386769.1); c.1753+7T>C (NM_001198939.2); c.1993+7T>C (NM_001386788.1); and 5 more.
Identifiers: ClinVar variation 46420 (VCV000046420.21), dbSNP rs138590000, ClinGen allele CA138310.

ClinVar aggregate classification (germline): Benign/Likely benign. Review status: criteria provided, multiple submitters, no conflicts (2 of 4 stars). 6 submissions from 6 submitters: Benign (4); Likely benign (2). Last evaluated 2026-01-19.

Conditions:
Left ventricular noncompaction 1 (LVNC1). Also called: LEFT VENTRICULAR NONCOMPACTION 1 WITH OR WITHOUT CONGENITAL HEART DEFECTS. Identifiers: Orphanet 54260, MedGen C1858725, MONDO:0011403, OMIM 604169.

Allele frequency attached by ClinVar (database versions not stated): gnomAD exomes 0.00100 and 0.00037; ESP Exome Variant Server 0.00346; 1000 Genomes Project 0.00379; gnomAD 0.00403 and 0.00375; ExAC 0.00117; 1000 Genomes Project 30x 0.00390; TOPMed 0.00409.
gnomAD v4.1: 1,141 of 1,612,612 alleles (0.071%); highest among the groups gnomAD compares: African/African-American, 1.3%; 11 homozygotes.

Submissions (6):

Labcorp Genetics (formerly Invitae), Labcorp
Classification: Benign for Left ventricular noncompaction 1. Last evaluated: 2026-01-19. Review status: criteria provided, single submitter. Criteria: Invitae Variant Classification Sherloc (09022015). Collection method: clinical testing. Allele origin: germline.

CeGaT Center for Human Genetics Tuebingen
Classification: Likely benign. Last evaluated: 2025-09-01. Review status: criteria provided, single submitter. Criteria: CeGaT Center For Human Genetics Tuebingen Variant Classification Criteria Version 2. Collection method: clinical testing. Allele origin: germline. Affected: yes. Observed: 1 variant allele.
Comment: DTNA: BP4, BS1

Blueprint Genetics
Classification: Likely benign. Last evaluated: 2024-11-13. Review status: criteria provided, single submitter. Criteria: ACMG Guidelines, 2015. Collection method: clinical testing. Allele origin: germline.

Women's Health and Genetics/Laboratory Corporation of America, LabCorp
Classification: Benign. Last evaluated: 2021-03-15. Review status: criteria provided, single submitter. Criteria: LabCorp Variant Classification Summary - May 2015. Collection method: clinical testing. Allele origin: germline.
Comment: Variant summary: DTNA c.1912+7T>C alters a non-conserved nucleotide located close to a canonical splice site and therefore could affect mRNA splicing, leading to a significantly altered protein sequence. 4/4 computational tools predict no significant impact on normal splicing. However, these predictions have yet to be confirmed by functional studies. The variant allele was found at a frequency of 0.0037 in 150980 control chromosomes, predominantly at a frequency of 0.013 within the African or African-American subpopulation in the gnomAD database, including 7 homozygotes (gnomAD v3.1, genomes dataset). The observed variant frequency within African or African-American control individuals in the gnomAD database is approximately 4000-fold of the estimated maximal expected allele frequency for a pathogenic variant in DTNA causing Left Ventricular Noncompaction phenotype (3.1e-06), strongly suggesting that the variant is a benign polymorphism. To our knowledge, no occurrence of c.1912+7T>C in individuals affected with Left Ventricular Noncompaction and no experimental evidence demonstrating its impact on protein function have been reported. No clinical diagnostic laboratories have submitted clinical-significance assessments for this variant to ClinVar after 2014. Based on the evidence outlined above, the variant was classified as benign.

GeneDx
Classification: Benign. Last evaluated: 2014-03-14. Review status: criteria provided, single submitter. Criteria: GeneDx Variant Classification (06012015). Collection method: clinical testing. Allele origin: germline. Affected: yes.
Comment: This variant is considered likely benign or benign based on one or more of the following criteria: it is a conservative change, it occurs at a poorly conserved position in the protein, it is predicted to be benign by multiple in silico algorithms, and/or has population frequency not consistent with disease.

Laboratory for Molecular Medicine, Mass General Brigham Personalized Medicine
Classification: Benign. Last evaluated: 2012-01-24. Review status: criteria provided, single submitter. Criteria: LMM Criteria. Collection method: clinical testing. Allele origin: germline. Observed: 5 variant alleles.